The following is an entry in ClinVar:

ClinVar aggregate classification (germline): Uncertain significance. Review status: criteria provided, multiple submitters, no conflicts (2 of 4 stars). 3 submissions from 3 submitters: Uncertain significance (3). Last evaluated 2025-06-24.

Conditions:
COL4A3-related disorder. Also called: COL4A3-Related Disorders; COL4A3-related condition.
Autosomal dominant Alport syndrome (ATS3A). Also called: Alport syndrome dominant type; Renal failure and sensorineural hearing loss; ALPORT SYNDROME 3A, AUTOSOMAL DOMINANT. Identifiers: Orphanet 63, Orphanet 88918, MedGen C5882663, MONDO:0007086, OMIM 104200.

Allele frequency attached by ClinVar (database versions not stated): ExAC 0.00002.
gnomAD v4.1: 10 of 1,613,888 alleles (0.00062%); highest among the groups gnomAD compares: Middle Eastern, 0.05%; no homozygotes.

Submissions (3):

GeneDx
Classification: Uncertain significance. Last evaluated: 2025-06-24. Review status: criteria provided, single submitter. Criteria: GeneDx Variant Classification Process June 2021. Collection method: clinical testing. Allele origin: germline. Affected: yes.
Comment: In silico analysis suggests that this missense variant does not alter protein structure/function; Occurs in the triple helical domain at the Y position in the canonical Gly-X-Y repeat; although this variant may have an effect on normal protein folding and function, missense substitution at the Y position is not a common mechanism of disease; Has not been previously published as pathogenic or benign to our knowledge

Daryl Scott Lab, Baylor College of Medicine
Classification: Uncertain significance for COL4A3-related disorder. Last evaluated: 2024-01-01. Review status: criteria provided, single submitter. Criteria: ACMG Guidelines, 2015. Collection method: clinical testing. Allele origin: unknown. Observed: 1 heterozygote.
Comment: PM2

Baylor Genetics
Classification: Uncertain significance for Autosomal dominant Alport syndrome. Last evaluated: 2019-07-31. Review status: criteria provided, single submitter. Criteria: ACMG Guidelines, 2015. Collection method: clinical testing. Allele origin: unknown. Affected: yes.
Comment: This variant was determined to be of uncertain significance according to ACMG Guidelines, 2015 [PMID:25741868].

NM_000091.5(COL4A3):c.580G>A (p.Val194Ile)

Genes: MFF-DT (MFF divergent transcript; minus strand), COL4A3 (collagen type IV alpha 3 chain; plus strand). Cytogenetic location: 2q36.3.
Variant type: single nucleotide variant.
Coding change: c.580G>A on transcript NM_000091.5 (MANE Select); coding-DNA position 580, G replaced by A.
Protein change: p.Val194Ile; replaces valine 194 with isoleucine.
Molecular consequence: missense variant.
Genome position (GRCh38, 1-based): chr2:227,251,173, G>A. VCF-style: chr2-227251173-G-A. GRCh37 (hg19) VCF-style: chr2-228115889-G-A.
Other names: short protein forms V194I.
Identifiers: ClinVar variation 1029642 (VCV001029642.3), dbSNP rs749989473, ClinGen allele CA2146220.